The following is an entry in ClinVar:

ClinVar aggregate classification (germline): Pathogenic (3 of 4 stars; one submission).

Conditions:
RPGR-related retinopathy. Also called: RPGR retinopathy. Identifiers: MedGen CN305589, MONDO:0100437.

Submission:

ClinGen X-linked Inherited Retinal Disease Variant Curation Expert Panel, ClinGen
Classification: Pathogenic for RPGR-related retinopathy. Last evaluated: 2025-09-07. Review status: reviewed by expert panel. Criteria: ClinGen X LinkedIRD ACMG Specifications RPGR V1.0.0. Collection method: curation. Allele origin: germline. Inheritance: X-linked inheritance.
Comment: NM_001034853.2(RPGR):c.69del (p.Glu24LysfsTer?) is a frameshift variant due to a 1-nucleotide deletion within exon 2 of 15, which results in a premature stop codon and is predicted to trigger nonsense-mediated decay (PVS1). This variant is absent from gnomAD v4.1.0 (PM2_Supporting). At least one proband harboring this variant exhibits a phenotype including early onset (1 pt), reduced electroretinogram B-wave (1 pt), and reduced visual acuity (0.5 pts), with genotyping by next-generation sequencing with a panel of genes that did not identify an alternative basis for retinal disease (2 pts), which together are specific for RPGR-related retinopathy (4.5 points, PMID: 28863407, PP4). In summary, this variant is classified as pathogenic for RPGR-related retinopathy based on the ClinGen X-linked Inherited Retinal Disease Expert Panel Specifications to the ACMG/AMP Variant Interpretation Guidelines for RPGR Version 1.0.0; PM2_supporting, PVS1, and PP4.

NM_001034853.2(RPGR):c.69del (p.Glu24fs)

Gene: RPGR (retinitis pigmentosa GTPase regulator; minus strand). Cytogenetic location: Xp11.4.
Variant type: Deletion.
Coding change: c.69del on transcript NM_001034853.2 (MANE Select); coding-DNA position 69, one base deleted (T; older notation c.69delT).
Protein change: p.Glu24fs; shifts the reading frame from glutamic acid 24.
Molecular consequence: frameshift variant. On other transcripts: non-coding transcript variant (6).
Genome position (GRCh38, 1-based): chrX:38,323,484, A deleted on the plus strand (T on the coding strand, the reverse complement: RPGR is on the minus strand). VCF-style (leftmost placement, unchanged base first): chrX-38323483-CA-C. GRCh37 (hg19) VCF-style: chrX-38182736-CA-C.
Other names: NM_001034853.2:c.69del; c.69del, p.Glu24fs (NM_000328.3, NM_001367245.1, NM_001367246.1 and 4 more transcripts); c.99del, p.Glu34fs (NM_001367248.1); short protein forms E24fs, E34fs.
Identifiers: ClinVar variation 4082183 (VCV004082183.1).